The following is an entry in ClinVar:

ClinVar aggregate classification (germline): Uncertain significance (1 of 4 stars; one submission).

Submission:

Ambry Genetics
Classification: Uncertain significance. Last evaluated: 2026-04-26. Review status: criteria provided, single submitter. Criteria: Ambry Variant Classification Scheme 2023. Collection method: clinical testing. Allele origin: germline.
Comment: The p.L1826Q variant (also known as c.5477T>A), located in coding exon 22 of the WNK2 gene, results from a T to A substitution at nucleotide position 5477. The leucine at codon 1826 is replaced by glutamine, an amino acid with dissimilar properties. This amino acid position is conserved. In addition, this alteration is predicted to be tolerated by in silico analysis. Based on the available evidence, the clinical significance of this variant remains unclear.

NM_006648.4(WNK2):c.5477T>A (p.Leu1826Gln)

Gene: WNK2 (WNK lysine deficient protein kinase 2; plus strand). Cytogenetic location: 9q22.31.
Variant type: single nucleotide variant.
Coding change: c.5477T>A on transcript NM_006648.4 (MANE Select); coding-DNA position 5477, T replaced by A.
Protein change: p.Leu1826Gln; replaces leucine 1826 with glutamine.
Molecular consequence: missense variant.
Genome position (GRCh38, 1-based): chr9:93,292,942, T>A. VCF-style: chr9-93292942-T-A. GRCh37 (hg19) VCF-style: chr9-96055224-T-A.
Other names: c.5588T>A, p.Leu1863Gln (NM_001282394.3); short protein forms L1826Q, L1863Q.
Identifiers: ClinVar variation 4866626 (VCV004866626.1).
Genomic context (GRCh38, chr9:93,292,942, plus strand): 5'-CCAGCGACTCTGGGGACGAGGGCCCTCGGGCGAGACCCCCGGTGCAGAAGCAGGCGTCCC[T>A]GCCCGTGAGTGGCAGCGTGGCTGGCGACTTCGTGAAGAAGGCCACCGCCTTCCTGCAGAG-3'
Protein context (NP_006639.3, residues 1816-1836): ARPPVQKQAS[Leu1826Gln]PVSGSVAGDF